The following is an entry in ClinVar:

ClinVar aggregate classification (germline): Pathogenic. Review status: criteria provided, multiple submitters, no conflicts (2 of 4 stars). 3 submissions from 3 submitters: Pathogenic (3). Last evaluated 2023-09-08.

Conditions:
Wilson disease (WND). Also called: Wilson's disease. Identifiers: Orphanet 905, MedGen C0019202, MONDO:0010200, OMIM 277900. Disease mechanism: loss of function.

Submissions (3):

Labcorp Genetics (formerly Invitae), Labcorp
Classification: Pathogenic for Wilson disease. Last evaluated: 2023-09-08. Review status: criteria provided, single submitter. Criteria: Invitae Variant Classification Sherloc (09022015). Collection method: clinical testing. Allele origin: germline.
Comment: This sequence change creates a premature translational stop signal (p.Arg1459Glyfs*2) in the ATP7B gene. While this is not anticipated to result in nonsense mediated decay, it is expected to disrupt the last 7 amino acid(s) of the ATP7B protein. This variant is not present in population databases (gnomAD no frequency). This premature translational stop signal has been observed in individual(s) with Wilson disease (PMID: 26799313). This variant is also known as c.4374-4375delCA. ClinVar contains an entry for this variant (Variation ID: 1071568). For these reasons, this variant has been classified as Pathogenic.

CeGaT Center for Human Genetics Tuebingen
Classification: Pathogenic. Last evaluated: 2022-07-01. Review status: criteria provided, single submitter. Criteria: CeGaT Center For Human Genetics Tuebingen Variant Classification Criteria Version 2. Collection method: clinical testing. Allele origin: germline. Affected: yes. Observed: 2 variant alleles.

Genome-Nilou Lab
Classification: Pathogenic for Wilson disease. Last evaluated: 2021-08-10. Review status: criteria provided, single submitter. Criteria: ACMG Guidelines, 2015. Collection method: clinical testing. Allele origin: germline. Affected: no.

Literature cited by the submitters: PubMed 26799313 (cited by Labcorp Genetics (formerly Invitae), Labcorp).

NM_000053.4(ATP7B):c.4374_4375del (p.Arg1459fs)

Gene: ATP7B (ATPase copper transporting beta; minus strand). Cytogenetic location: 13q14.3.
Variant type: Deletion.
Coding change: c.4374_4375del on transcript NM_000053.4 (MANE Select); coding-DNA positions 4374 to 4375, 2 bases deleted (CA; older notation c.4374_4375delCA).
Protein change: p.Arg1459fs; shifts the reading frame from arginine 1459.
Molecular consequence: frameshift variant.
Genome position (GRCh38, 1-based): chr13:51,934,779-51,934,780, TG deleted on the plus strand (CA on the coding strand, the reverse complement: ATP7B is on the minus strand). VCF-style (leftmost placement, unchanged base first): chr13-51934778-CTG-C. GRCh37 (hg19) VCF-style: chr13-52508914-CTG-C.
Other names: c.3753_3754del, p.Arg1252fs (NM_001005918.3); c.4041_4042del, p.Arg1348fs (NM_001243182.2); c.4140_4141del, p.Arg1381fs (NM_001330578.2); c.4122_4123del, p.Arg1375fs (NM_001330579.2); short protein forms R1252fs, R1348fs, R1375fs, R1381fs, R1459fs.
Identifiers: ClinVar variation 1071568 (VCV001071568.44), dbSNP rs2138386032, ClinGen allele CA2499222493.